The following is an entry in ClinVar:

ClinVar aggregate classification (germline): Conflicting classifications of pathogenicity. Review status: criteria provided, conflicting classifications (1 of 4 stars). 4 submissions from 4 submitters: Uncertain significance (3); Likely benign (1). Last evaluated 2024-10-29.

Conditions:
Inborn genetic diseases. Identifiers: MedGen C0950123, MeSH D030342.

Allele frequency attached by ClinVar (database versions not stated): TOPMed 0.00002; ExAC 0.00002; ESP Exome Variant Server 0.00015; gnomAD exomes 0.00001.
gnomAD v4.1: 10 of 1,613,218 alleles (0.00062%); highest among the groups gnomAD compares: Non-Finnish European, 0.00085%; no homozygotes.

Submissions (4):

Ambry Genetics
Classification: Likely benign for Inborn genetic diseases. Last evaluated: 2024-10-29. Review status: criteria provided, single submitter. Criteria: Ambry Variant Classification Scheme 2023. Collection method: clinical testing. Allele origin: germline.

GeneDx
Classification: Uncertain significance. Last evaluated: 2023-09-20. Review status: criteria provided, single submitter. Criteria: GeneDx Variant Classification Process June 2021. Collection method: clinical testing. Allele origin: germline. Affected: yes.
Comment: Not observed at significant frequency in large population cohorts (gnomAD); In silico analysis supports that this missense variant does not alter protein structure/function; This variant is associated with the following publications: (PMID: 26522332, 28485484)

Labcorp Genetics (formerly Invitae), Labcorp
Classification: Uncertain significance. Last evaluated: 2023-01-06. Review status: criteria provided, single submitter. Criteria: Invitae Variant Classification Sherloc (09022015). Collection method: clinical testing. Allele origin: germline.
Comment: In summary, the available evidence is currently insufficient to determine the role of this variant in disease. Therefore, it has been classified as a Variant of Uncertain Significance. Advanced modeling of protein sequence and biophysical properties (such as structural, functional, and spatial information, amino acid conservation, physicochemical variation, residue mobility, and thermodynamic stability) performed at Invitae indicates that this missense variant is not expected to disrupt ETV6 protein function. ClinVar contains an entry for this variant (Variation ID: 950567). This missense change has been observed in individual(s) with ETV6-related conditions (PMID: 26522332, 28485484). This variant is present in population databases (rs372530736, gnomAD 0.003%). This sequence change replaces lysine, which is basic and polar, with arginine, which is basic and polar, at codon 302 of the ETV6 protein (p.Lys302Arg).

Blueprint Genetics
Classification: Uncertain significance. Last evaluated: 2022-10-26. Review status: criteria provided, single submitter. Criteria: ACMG Guidelines, 2015. Collection method: clinical testing. Allele origin: germline.

Literature cited by the submitters: PubMed 26522332 (cited by Labcorp Genetics (formerly Invitae), Labcorp); PubMed 28485484 (cited by Labcorp Genetics (formerly Invitae), Labcorp).

NM_001987.5(ETV6):c.905A>G (p.Lys302Arg)

Gene: ETV6 (ETS variant transcription factor 6; plus strand). Cytogenetic location: 12p13.2.
Variant type: single nucleotide variant.
Coding change: c.905A>G on transcript NM_001987.5 (MANE Select); coding-DNA position 905, A replaced by G.
Protein change: p.Lys302Arg; replaces lysine 302 with arginine.
Molecular consequence: missense variant.
Genome position (GRCh38, 1-based): chr12:11,869,865, A>G. VCF-style: chr12-11869865-A-G. GRCh37 (hg19) VCF-style: chr12-12022799-A-G.
Other names: short protein forms K302R.
Identifiers: ClinVar variation 950567 (VCV000950567.12), dbSNP rs372530736, ClinGen allele CA6454354.